The following is an entry in ClinVar:

NM_000059.4(BRCA2):c.2261A>G (p.Gln754Arg)

Gene: BRCA2 (BRCA2 DNA repair associated; plus strand). Cytogenetic location: 13q13.1.
Variant type: single nucleotide variant.
Coding change: c.2261A>G on transcript NM_000059.4 (MANE Select); coding-DNA position 2261, A replaced by G.
Protein change: p.Gln754Arg; replaces glutamine 754 with arginine.
Molecular consequence: missense variant.
Genome position (GRCh38, 1-based): chr13:32,336,616, A>G. VCF-style: chr13-32336616-A-G. GRCh37 (hg19) VCF-style: chr13-32910753-A-G.
Other names: short protein forms Q754R.
Identifiers: ClinVar variation 489747 (VCV000489747.6), dbSNP rs56289428, ClinGen allele CA387771010.

ClinVar aggregate classification (germline): Conflicting classifications of pathogenicity. Review status: criteria provided, conflicting classifications (1 of 4 stars). 2 submissions from 2 submitters: Uncertain significance (1); Likely benign (1). Last evaluated 2023-03-23.

Conditions:
Hereditary cancer-predisposing syndrome. Also called: Hereditary Cancer Syndrome; Neoplastic Syndromes, Hereditary; Tumor predisposition; Hereditary neoplastic syndrome. Identifiers: Orphanet 140162, MedGen C0027672, MeSH D009386, MONDO:0015356.

Submissions (2):

University of Washington Department of Laboratory Medicine, University of Washington
Classification: Likely benign for Hereditary cancer-predisposing syndrome. Last evaluated: 2023-03-23. Review status: criteria provided, single submitter. Criteria: Dines et al. (Genet Med. 2020). Collection method: curation. Allele origin: germline.
Comment: Missense variant in a coldspot region where missense variants are very unlikely to be pathogenic (PMID:31911673).

BRCA2 exon 11 coldspot. Reclassification based on statistical prior probability.

Color Diagnostics, LLC DBA Color Health
Classification: Uncertain significance for Hereditary cancer-predisposing syndrome. Last evaluated: 2019-06-20. Review status: criteria provided, single submitter. Criteria: ACMG Guidelines, 2015. Collection method: clinical testing. Allele origin: germline.